The following is an entry in ClinVar:

ClinVar aggregate classification (germline): Benign/Likely benign. Review status: criteria provided, multiple submitters, no conflicts (2 of 4 stars). 2 submissions from 2 submitters: Benign (1); Likely benign (1). Last evaluated 2025-12-09.

Conditions:
Intellectual disability. Also called: Intellectual developmental disorder; Intellectual functioning disability; intellectual disabilities. Identifiers: MedGen C3714756, MeSH D008607, MONDO:0001071, HP:0001249.

Allele frequency attached by ClinVar (database versions not stated): gnomAD 0.00003; gnomAD exomes 0.00006; TOPMed 0.00006; ExAC 0.00006.
gnomAD v4.1: 88 of 1,613,266 alleles (0.0055%); highest among the groups gnomAD compares: Admixed American, 0.013%; no homozygotes.

Submissions (2):

Labcorp Genetics (formerly Invitae), Labcorp
Classification: Benign for Intellectual disability. Last evaluated: 2025-12-09. Review status: criteria provided, single submitter. Criteria: Invitae Variant Classification Sherloc (09022015). Collection method: clinical testing. Allele origin: germline.

GeneDx
Classification: Likely benign. Last evaluated: 2021-01-26. Review status: criteria provided, single submitter. Criteria: GeneDx Variant Classification Process June 2021. Collection method: clinical testing. Allele origin: germline. Affected: yes.
Comment: This variant is associated with the following publications: (PMID: 29961870)

NM_001371727.1(GABRB2):c.1118G>A (p.Arg373Gln)

Gene: GABRB2 (gamma-aminobutyric acid type A receptor subunit beta2; minus strand). Cytogenetic location: 5q34.
Variant type: single nucleotide variant.
Coding change: c.1118G>A on transcript NM_001371727.1 (MANE Select); coding-DNA position 1118, G replaced by A.
Protein change: p.Arg373Gln; replaces arginine 373 with glutamine.
Molecular consequence: missense variant. On other transcripts: intron variant (1).
Genome position (GRCh38, 1-based): chr5:161,326,441, C>T on the plus strand (G>A on the coding strand, the complement: GABRB2 is on the minus strand). VCF-style: chr5-161326441-C-T. GRCh37 (hg19) VCF-style: chr5-160753448-C-T.
Other names: c.1118G>A, p.Arg373Gln (NM_021911.3); c.1077+4442G>A (NM_000813.3); short protein forms R373Q.
Identifiers: ClinVar variation 568443 (VCV000568443.15), dbSNP rs202183786, ClinGen allele CA3543403.